The following is an entry in ClinVar:

ClinVar aggregate classification (germline): Uncertain significance. Review status: criteria provided, multiple submitters, no conflicts (2 of 4 stars). 2 submissions from 2 submitters: Uncertain significance (2). Last evaluated 2025-01-29.

Conditions:
Cardiovascular phenotype. Identifiers: MedGen CN230736.

gnomAD v4.1: 17 of 1,548,246 alleles (0.0011%); highest among the groups gnomAD compares: South Asian, 0.0024%; no homozygotes.

Submissions (2):

Women's Health and Genetics/Laboratory Corporation of America, LabCorp
Classification: Uncertain significance. Last evaluated: 2025-01-29. Review status: criteria provided, single submitter. Criteria: LabCorp Variant Classification Summary - May 2015. Collection method: clinical testing. Allele origin: germline.
Comment: Variant summary: ZNF469 c.1931C>T (p.Thr644Met) results in a non-conservative amino acid change in the encoded protein sequence. Two of four in-silico tools predict a benign effect of the variant on protein function. The variant allele was found at a frequency of 2e-05 in 147784 control chromosomes. The available data on variant occurrences in the general population are insufficient to allow any conclusion about variant significance. To our knowledge, no occurrence of c.1931C>T in individuals affected with Brittle cornea syndrome 1 and no experimental evidence demonstrating its impact on protein function have been reported. ClinVar contains an entry for this variant (Variation ID: 3476298). Based on the evidence outlined above, the variant was classified as uncertain significance.

Ambry Genetics
Classification: Uncertain significance for Cardiovascular phenotype. Last evaluated: 2024-09-04. Review status: criteria provided, single submitter. Criteria: Ambry Variant Classification Scheme 2023. Collection method: clinical testing. Allele origin: germline.

NM_001367624.2(ZNF469):c.1931C>T (p.Thr644Met)

Gene: ZNF469 (zinc finger protein 469; plus strand). Cytogenetic location: 16q24.2.
Variant type: single nucleotide variant.
Coding change: c.1931C>T on transcript NM_001367624.2 (MANE Select); coding-DNA position 1931, C replaced by T.
Protein change: p.Thr644Met; replaces threonine 644 with methionine.
Molecular consequence: missense variant.
Genome position (GRCh38, 1-based): chr16:88,429,401, C>T. VCF-style: chr16-88429401-C-T. GRCh37 (hg19) VCF-style: chr16-88495809-C-T.
Other names: NM_001127464.1:c.1931C>T; short protein forms T644M.
Identifiers: ClinVar variation 3476298 (VCV003476298.3).